The following is an entry in ClinVar:

ClinVar aggregate classification (germline): Pathogenic/Likely pathogenic. Review status: criteria provided, multiple submitters, no conflicts (2 of 4 stars). 10 submissions from 10 submitters: Pathogenic (7); Likely pathogenic (3). Last evaluated 2026-04-22.

Conditions:
Inherited breast cancer and ovarian cancer.
Pancreatic cancer, susceptibility to, 3. Identifiers: Orphanet 1333, MedGen C3150547, MONDO:0013236, OMIM 613348.
Fanconi anemia complementation group N. Also called: PALB2-Related Fanconi Anemia. Identifiers: Orphanet 84, MedGen C1835817, MONDO:0012565, OMIM 610832. Disease mechanism: loss of function.
Familial cancer of breast. Also called: hereditary breast carcinoma; BREAST CANCER, FAMILIAL; Hereditary breast cancer. Identifiers: Orphanet 227535, MedGen C0346153, MONDO:0016419, OMIM 114480. Disease mechanism: loss of function.
Hereditary cancer-predisposing syndrome. Also called: Tumor predisposition; Hereditary neoplastic syndrome; Hereditary Cancer Syndrome; Neoplastic Syndromes, Hereditary. Identifiers: Orphanet 140162, MedGen C0027672, MeSH D009386, MONDO:0015356.

Allele frequency attached by ClinVar (database versions not stated): gnomAD exomes 0.00001; gnomAD 0.00003; TOPMed 0.00003.
gnomAD v4.1: 4 of 1,614,068 alleles (0.00025%); highest among the groups gnomAD compares: African/African-American, 0.0053%; no homozygotes.

Submissions (10):

Genetics Laboratory, Great Ormond Street Hospital NHS Foundation Trust, North Thames Genomic Laboratory Hub
Classification: Pathogenic for Inherited breast cancer and ovarian cancer. Last evaluated: 2026-04-22. Review status: criteria provided, single submitter. Criteria: CanVIG PALB2 Gene Specific V1.2. Collection method: clinical testing. Allele origin: germline. Affected: yes.
Comment: PS4_supporting, PVS1_very-strong, PM5_supporting

Labcorp Genetics (formerly Invitae), Labcorp
Classification: Pathogenic for Familial cancer of breast. Last evaluated: 2025-12-24. Review status: criteria provided, single submitter. Criteria: Invitae Variant Classification Sherloc (09022015). Collection method: clinical testing. Allele origin: germline.
Comment: This sequence change creates a premature translational stop signal (p.Tyr910*) in the PALB2 gene. It is expected to result in an absent or disrupted protein product. Loss-of-function variants in PALB2 are known to be pathogenic (PMID: 17200668, 17200671, 17200672, 24136930, 25099575). This variant is present in population databases (no rsID available, gnomAD 0.01%). This variant has not been reported in the literature in individuals affected with PALB2-related conditions. ClinVar contains an entry for this variant (Variation ID: 410165). RNA analysis performed to evaluate the impact of this premature translational stop signal on mRNA splicing indicates it does not significantly alter splicing (internal data). For these reasons, this variant has been classified as Pathogenic.

GeneDx
Classification: Pathogenic. Last evaluated: 2025-01-15. Review status: criteria provided, single submitter. Criteria: GeneDx Variant Classification Process June 2021. Collection method: clinical testing. Allele origin: germline. Affected: yes.
Comment: Nonsense variant predicted to result in protein truncation or nonsense mediated decay in a gene for which loss of function is a known mechanism of disease; Not observed at significant frequency in large population cohorts (gnomAD); Observed in an individual with breast cancer (PMID: 32427313); Truncating variants in this gene are considered pathogenic by a well-established clinical consortium and/or database; This variant is associated with the following publications: (PMID: 36933202, 32427313, 29922827)

Ambry Genetics
Classification: Pathogenic for Hereditary cancer-predisposing syndrome. Last evaluated: 2024-08-19. Review status: criteria provided, single submitter. Criteria: Ambry Variant Classification Scheme 2023. Collection method: clinical testing. Allele origin: germline.
Comment: The p.Y910* pathogenic mutation (also known as c.2730T>A), located in coding exon 7 of the PALB2 gene, results from a T to A substitution at nucleotide position 2730. This changes the amino acid from a tyrosine to a stop codon within coding exon 7. This alteration is expected to result in loss of function by premature protein truncation or nonsense-mediated mRNA decay. As such, this alteration is interpreted as a disease-causing mutation.

Baylor Genetics
Classification: Pathogenic for Familial cancer of breast. Last evaluated: 2023-12-09. Review status: criteria provided, single submitter. Criteria: ACMG Guidelines, 2015. Collection method: clinical testing. Allele origin: unknown.

CeGaT Center for Human Genetics Tuebingen
Classification: Likely pathogenic. Last evaluated: 2023-11-01. Review status: criteria provided, single submitter. Criteria: CeGaT Center For Human Genetics Tuebingen Variant Classification Criteria Version 2. Collection method: clinical testing. Allele origin: germline. Affected: yes. Observed: 1 variant allele.
Comment: PALB2: PVS1

Myriad Genetics, Inc.
Classification: Pathogenic for Familial cancer of breast. Last evaluated: 2023-09-13. Review status: criteria provided, single submitter. Criteria: Myriad Autosomal Dominant, Autosomal Recessive and X-Linked Classification Criteria (2023). Collection method: clinical testing. Allele origin: unknown.
Comment: This variant is considered pathogenic. This variant creates a termination codon and is predicted to result in premature protein truncation.

Fulgent Genetics
Classification: Likely pathogenic for Familial cancer of breast; Fanconi anemia complementation group N; Pancreatic cancer, susceptibility to, 3. Last evaluated: 2022-03-12. Review status: criteria provided, single submitter. Criteria: ACMG Guidelines, 2015. Collection method: clinical testing. Allele origin: unknown.

Sema4
Classification: Likely pathogenic for Hereditary cancer-predisposing syndrome. Last evaluated: 2021-07-22. Review status: criteria provided, single submitter. Criteria: Sema4 Curation Guidelines. Collection method: curation. Allele origin: germline.
Comment: To the best of our knowledge, the PALB2 c.2730T>A (p.Y910X variant has not been reported in individuals with PALB2-related disease. This nonsense variant creates a premature stop codon at residue 910 of the PALB2 protein. This variant is predicted to cause loss of normal protein function either through protein truncation or nonsense-mediated mRNA decay. Loss-of-function variants in PALB2 are known to be pathogenic (PMID: 25099575, 17200668). This variant was observed in 3/24970 chromosomes in the African/African American population, according to the Genome Aggregation Database (PMID: 32461654). This variant has been reported in ClinVar (Variation ID: 410165). Based on the current evidence available, this variant is interpreted as likely pathogenic.

Color Diagnostics, LLC DBA Color Health
Classification: Pathogenic for Hereditary cancer-predisposing syndrome. Last evaluated: 2020-01-15. Review status: criteria provided, single submitter. Criteria: ACMG Guidelines, 2015. Collection method: clinical testing. Allele origin: germline.
Comment: This variant changes 1 nucleotide in exon 7 of the PALB2 gene, creating a premature translation stop signal. This variant is expected to result in an absent or non-functional protein product. This variant has been identified in 3/282890 chromosomes in the general population by the Genome Aggregation Database (gnomAD). Loss of PALB2 function is a known mechanism of disease. Based on the available evidence, this variant is classified as Pathogenic.

Literature cited by the submitters: PubMed 17200668 (cited by Labcorp Genetics (formerly Invitae), Labcorp and Sema4); PubMed 17200671 (cited by Labcorp Genetics (formerly Invitae), Labcorp); PubMed 17200672 (cited by Labcorp Genetics (formerly Invitae), Labcorp); PubMed 24136930 (cited by Labcorp Genetics (formerly Invitae), Labcorp); PubMed 25099575 (cited by Labcorp Genetics (formerly Invitae), Labcorp and Sema4).

NM_024675.4(PALB2):c.2730T>A (p.Tyr910Ter)

Gene: PALB2 (partner and localizer of BRCA2; minus strand). Cytogenetic location: 16p12.2.
Variant type: single nucleotide variant.
Coding change: c.2730T>A on transcript NM_024675.4 (MANE Select); coding-DNA position 2730, T replaced by A.
Protein change: p.Tyr910Ter; replaces tyrosine 910 with a stop codon.
Molecular consequence: nonsense.
Genome position (GRCh38, 1-based): chr16:23,626,254, A>T on the plus strand (T>A on the coding strand, the complement: PALB2 is on the minus strand). VCF-style: chr16-23626254-A-T. GRCh37 (hg19) VCF-style: chr16-23637575-A-T.
Other names: short protein forms Y910*.
Identifiers: ClinVar variation 410165 (VCV000410165.48), dbSNP rs995629797, ClinGen allele CA16614856.